The following is an entry in ClinVar:

NM_000548.5(TSC2):c.4849+1G>C

Gene: TSC2 (TSC complex subunit 2; plus strand). Cytogenetic location: 16p13.3.
Variant type: single nucleotide variant.
Coding change: c.4849+1G>C on transcript NM_000548.5 (MANE Select); the canonical splice donor site of the intron after coding-DNA position 4849, G replaced by C.
Molecular consequence: splice donor variant.
Genome position (GRCh38, 1-based): chr16:2,086,380, G>C. VCF-style: chr16-2086380-G-C. GRCh37 (hg19) VCF-style: chr16-2136381-G-C.
Other names: c.3304+1G>C (NM_001406695.1, NM_001406696.1, NM_001406697.1); c.4639+1G>C (NM_001406671.1); c.4636+1G>C (NM_001406673.1); c.4189+1G>C (NM_001406681.1); c.4669+1G>C (NM_001406670.1); c.4540+1G>C (NM_001318827.2); c.4537+1G>C (NM_001406678.1); c.4180+1G>C (NM_001406682.1, NM_001406683.1); and 26 more.
Identifiers: ClinVar variation 3382616 (VCV003382616.2).

ClinVar aggregate classification (germline): Pathogenic (1 of 4 stars; one submission).

Conditions:
Tuberous sclerosis 2 (TSC2). Identifiers: Orphanet 805, MedGen C1860707, MONDO:0013199, OMIM 613254.

Submission:

Juno Genomics, Hangzhou Juno Genomics, Inc
Classification: Pathogenic for Tuberous sclerosis 2. Review status: criteria provided, single submitter. Criteria: ACMG Guidelines, 2015. Collection method: clinical testing. Allele origin: germline. Affected: yes.
Comment: Null variant in a gene where loss of function (LOF) is a known mechanism of disease.;Absent from controls (or at extremely low frequency if recessive) in Genome Aggregation Database, Exome Sequencing Project, 1000 Genomes Project, or Exome Aggregation Consortium.;De novo (both maternity and paternity confirmed) in a patient with the disease and no family history.